The following is an entry in ClinVar:

NM_001035.3(RYR2):c.10495-9T>C

Gene: RYR2 (ryanodine receptor 2; plus strand). Cytogenetic location: 1q43.
Variant type: single nucleotide variant.
Coding change: c.10495-9T>C on transcript NM_001035.3 (MANE Select); 9 bases into the intron before coding-DNA position 10495, T replaced by C.
Molecular consequence: intron variant.
Genome position (GRCh38, 1-based): chr1:237,718,453, T>C. VCF-style: chr1-237718453-T-C. GRCh37 (hg19) VCF-style: chr1-237881753-T-C.
Identifiers: ClinVar variation 2902195 (VCV002902195.4), dbSNP rs1331500604, ClinGen allele CA529546308.

ClinVar aggregate classification (germline): Likely benign. Review status: criteria provided, multiple submitters, no conflicts (2 of 4 stars). 2 submissions from 2 submitters: Likely benign (2). Last evaluated 2024-10-14.

Conditions:
Catecholaminergic polymorphic ventricular tachycardia (CVPT). Also called: Catecholamine-induced polymorphic ventricular tachycardia. Identifiers: Orphanet 3286, MedGen C5574922, MONDO:0017990.
Catecholaminergic polymorphic ventricular tachycardia 1. Also called: VENTRICULAR TACHYCARDIA, STRESS-INDUCED POLYMORPHIC 1; VENTRICULAR TACHYCARDIA, CATECHOLAMINERGIC POLYMORPHIC, 1, WITH OR WITHOUT ATRIAL DYSFUNCTION AND/OR DILATED CARDIOMYOPATHY; RYR2-Related Catecholaminergic Polymorphic Ventricular Tachycardia. Identifiers: Orphanet 3286, MedGen C1631597, MONDO:0011484, OMIM 604772.

Allele frequency attached by ClinVar (database versions not stated): gnomAD 0.00001.

Submissions (2):

Labcorp Genetics (formerly Invitae), Labcorp
Classification: Likely benign for Catecholaminergic polymorphic ventricular tachycardia 1. Last evaluated: 2024-10-14. Review status: criteria provided, single submitter. Criteria: Invitae Variant Classification Sherloc (09022015). Collection method: clinical testing. Allele origin: germline.

All of Us Research Program, National Institutes of Health
Classification: Likely benign for Catecholaminergic polymorphic ventricular tachycardia. Last evaluated: 2024-04-25. Review status: criteria provided, single submitter. Criteria: ACMG Guidelines, 2015. Collection method: clinical testing. Allele origin: germline. Inheritance: Autosomal dominant inheritance. Observed: 1 variant allele, 1 heterozygote.
Comment: This study involves interpretation of variants in research participants for the purpose of population health screening. Participant phenotype was not available at the time of variant classification. Additional details can be found in publication PMID: 35346344, PMCID: PMC8962531